The following is an entry in ClinVar:

NM_012330.4(KAT6B):c.1184C>T (p.Ser395Leu)

Gene: KAT6B (lysine acetyltransferase 6B; plus strand). Cytogenetic location: 10q22.2.
Variant type: single nucleotide variant.
Coding change: c.1184C>T on transcript NM_012330.4 (MANE Select); coding-DNA position 1184, C replaced by T.
Protein change: p.Ser395Leu; replaces serine 395 with leucine.
Molecular consequence: missense variant. On other transcripts: intron variant (11).
Genome position (GRCh38, 1-based): chr10:74,975,521, C>T. VCF-style: chr10-74975521-C-T. GRCh37 (hg19) VCF-style: chr10-76735279-C-T.
Other names: c.1184C>T, p.Ser395Leu (NM_001256468.2, NM_001370136.1, NM_001370137.1 and 1 more transcripts); c.1117+67C>T (NM_001370139.1, NM_001370140.1, NM_001370141.1 and 3 more transcripts); c.846+5746C>T (NM_001370133.1); c.193-3703C>T (NM_001370134.1); c.929-1795C>T (NM_001370143.1, NM_001370144.1); c.193-13498C>T (NM_001370135.1); short protein forms S395L.
Identifiers: ClinVar variation 1030248 (VCV001030248.2), dbSNP rs1157587933, ClinGen allele CA377285229.

ClinVar aggregate classification (germline): Uncertain significance. Review status: criteria provided, multiple submitters, no conflicts (2 of 4 stars). 2 submissions from 2 submitters: Uncertain significance (2). Last evaluated 2025-07-09.

Conditions:
Genitopatellar syndrome (GTPTS). Also called: Genitopatellar syndrome (GPS); ABSENT PATELLAE, SCROTAL HYPOPLASIA, RENAL ANOMALIES, FACIAL DYSMORPHISM, AND MENTAL RETARDATION. Identifiers: Orphanet 85201, MedGen C1853566, MONDO:0011640, OMIM 606170.

Allele frequency attached by ClinVar (database versions not stated): gnomAD exomes below 0.00001.
gnomAD v4.1: 1 of 1,614,092 alleles (0.000062%); highest among the groups gnomAD compares: Non-Finnish European, 0.000085%; no homozygotes.

Submissions (2):

Labcorp Genetics (formerly Invitae), Labcorp
Classification: Uncertain significance for Genitopatellar syndrome. Last evaluated: 2025-07-09. Review status: criteria provided, single submitter. Criteria: Invitae Variant Classification Sherloc (09022015). Collection method: clinical testing. Allele origin: germline.
Comment: This sequence change replaces serine, which is neutral and polar, with leucine, which is neutral and non-polar, at codon 395 of the KAT6B protein (p.Ser395Leu). This variant is not present in population databases (gnomAD no frequency). This variant has not been reported in the literature in individuals affected with KAT6B-related conditions. ClinVar contains an entry for this variant (Variation ID: 1030248). Invitae Evidence Modeling of protein sequence and biophysical properties (such as structural, functional, and spatial information, amino acid conservation, physicochemical variation, residue mobility, and thermodynamic stability) indicates that this missense variant is not expected to disrupt KAT6B protein function with a negative predictive value of 80%. In summary, the available evidence is currently insufficient to determine the role of this variant in disease. Therefore, it has been classified as a Variant of Uncertain Significance.

Baylor Genetics
Classification: Uncertain significance for Genitopatellar syndrome. Last evaluated: 2019-03-25. Review status: criteria provided, single submitter. Criteria: ACMG Guidelines, 2015. Collection method: clinical testing. Allele origin: paternal. Affected: yes.
Comment: This variant was determined to be of uncertain significance according to ACMG Guidelines, 2015 [PMID:25741868].